The following is an entry in ClinVar:

NM_004006.3(DMD):c.3727_3728del (p.Leu1243fs)

Gene: DMD (dystrophin; minus strand). Cytogenetic location: Xp21.1.
Variant type: Microsatellite.
Coding change: c.3727_3728del on transcript NM_004006.3 (MANE Select); coding-DNA positions 3727 to 3728, 2 bases deleted (CT; older notation c.3727_3728delCT).
Protein change: p.Leu1243fs; shifts the reading frame from leucine 1243.
Molecular consequence: frameshift variant.
Genome position (GRCh38, 1-based): chrX:32,448,514-32,448,515, AG deleted on the plus strand (CT on the coding strand, the reverse complement: DMD is on the minus strand); deleting any 2 consecutive bases within chrX:32,448,514-32,448,517 gives the same sequence; the c. name uses the placement nearest the transcript's 3' end. VCF-style (leftmost placement, unchanged base first): chrX-32448513-TAG-T. GRCh37 (hg19) VCF-style: chrX-32466630-TAG-T.
Other names: c.3703_3704del, p.Leu1235fs (NM_000109.4); c.3715_3716del, p.Leu1239fs (NM_004009.3); c.3358_3359del, p.Leu1120fs (NM_004010.3); short protein forms L1120fs, L1235fs, L1239fs, L1243fs.
Identifiers: ClinVar variation 1073854 (VCV001073854.9), dbSNP rs2148287711, ClinGen allele CA2580616943.

ClinVar aggregate classification (germline): Pathogenic (1 of 4 stars; one submission).

Conditions:
Duchenne muscular dystrophy (DMD). Also called: MUSCULAR DYSTROPHY, PSEUDOHYPERTROPHIC PROGRESSIVE, DUCHENNE TYPE; Duchenne Muscular Dystrophy (DMD). Identifiers: Orphanet 98896, MedGen C0013264, MONDO:0010679, OMIM 310200.

Submission:

Labcorp Genetics (formerly Invitae), Labcorp
Classification: Pathogenic for Duchenne muscular dystrophy. Last evaluated: 2023-07-06. Review status: criteria provided, single submitter. Criteria: Invitae Variant Classification Sherloc (09022015). Collection method: clinical testing. Allele origin: germline.
Comment: This sequence change creates a premature translational stop signal (p.Leu1243Asnfs*10) in the DMD gene. It is expected to result in an absent or disrupted protein product. Loss-of-function variants in DMD are known to be pathogenic (PMID: 16770791, 25007885). This variant is not present in population databases (gnomAD no frequency). This premature translational stop signal has been observed in individuals with Duchenne and Becker muscular dystrophy (PMID: 19937601, 27593222, 27750387). This variant is also known as c.3726_3727del. Algorithms developed to predict the effect of sequence changes on RNA splicing suggest that this variant may disrupt the consensus splice site. For these reasons, this variant has been classified as Pathogenic.

Literature cited by the submitters: PubMed 16770791; PubMed 25007885; PubMed 19937601; PubMed 27593222; PubMed 27750387.